The following is an entry in ClinVar:

ClinVar aggregate classification (germline): Pathogenic/Likely pathogenic. Review status: criteria provided, multiple submitters, no conflicts (2 of 4 stars). 6 submissions from 6 submitters: Pathogenic (2); Likely pathogenic (1). 3 of the submissions do not count toward it. Last evaluated 2024-03-15.

Conditions:
Phenylketonuria (PKU). Also called: Phenylketonuria (PKU); Phenylketonurias; OLIGOPHRENIA PHENYLPYRUVICA; FOLLING DISEASE. Identifiers: Orphanet 716, MedGen C0031485, MONDO:0009861, OMIM 261600. Disease mechanism: loss of function.

Allele frequency attached by ClinVar (database versions not stated): TOPMed below 0.00001.

Submissions (6):

Natera, Inc.
Classification: Pathogenic for Phenylketonuria. Last evaluated: 2024-03-15. Review status: criteria provided, single submitter. Criteria: Natera Variant Classification Schema (03/2026). Collection method: clinical testing. Allele origin: germline.
Comment: The c.764T>C variant in PAH is a missense variant predicted to cause substitution of leucine to serine at amino acid 255. This variant is rare in the general population with a frequency below the threshold expected for the associated phenotype(s). This variant has been observed in one or more individuals affected with the associated recessive disease, as either homozygous or compound heterozygous with a second variant (PMID: 30050108). Computational prediction algorithms indicate this variant is likely to affect gene or protein function. Given the available evidence, this variant is classified as Pathogenic.

Labcorp Genetics (formerly Invitae), Labcorp
Classification: Pathogenic for Phenylketonuria. Last evaluated: 2023-10-07. Review status: criteria provided, single submitter. Criteria: Invitae Variant Classification Sherloc (09022015). Collection method: clinical testing. Allele origin: germline.
Comment: This sequence change replaces leucine, which is neutral and non-polar, with serine, which is neutral and polar, at codon 255 of the PAH protein (p.Leu255Ser). This variant is not present in population databases (gnomAD no frequency). This missense change has been observed in individual(s) with hyperphenylalaninemia (PMID: 2014802, 29317692). In at least one individual the data is consistent with being in trans (on the opposite chromosome) from a pathogenic variant. ClinVar contains an entry for this variant (Variation ID: 600). Advanced modeling of protein sequence and biophysical properties (such as structural, functional, and spatial information, amino acid conservation, physicochemical variation, residue mobility, and thermodynamic stability) performed at Invitae indicates that this missense variant is expected to disrupt PAH protein function. Experimental studies have shown that this missense change affects PAH function (PMID: 21953985). For these reasons, this variant has been classified as Pathogenic.

Juno Genomics, Hangzhou Juno Genomics, Inc
Classification: Likely pathogenic for Phenylketonuria. Review status: criteria provided, single submitter. Criteria: ACMG Guidelines, 2015. Collection method: clinical testing. Allele origin: germline. Affected: yes.
Comment: Absent from controls (or at extremely low frequency if recessive) in Genome Aggregation Database, Exome Sequencing Project, 1000 Genomes Project, or Exome Aggregation Consortium.;For recessive disorders, detected in trans with a pathogenic variant.;Well-established in vitro or in vivo functional studies supportive of a damaging effect on the gene or gene product.;Multiple lines of computational evidence support a deleterious effect on the gene or gene product (conservation, evolutionary, splicing impact, etc).

Counsyl
Classification: Likely pathogenic for Phenylketonuria. Last evaluated: 2017-11-30. Review status: no assertion criteria provided. Collection method: clinical testing. Allele origin: unknown. Not counted in ClinVar's aggregate classification.

OMIM
Classification: Pathogenic for PHENYLKETONURIA. Last evaluated: 1991-04-01. Review status: no assertion criteria provided. Collection method: literature only. Allele origin: germline. Not counted in ClinVar's aggregate classification.

DeBelle Laboratory for Biochemical Genetics, MUHC/MCH RESEARCH INSTITUTE
No classification provided. Review status: no classification provided. Collection method: not provided. Allele origin: not provided. Not counted in ClinVar's aggregate classification.

Literature cited by the submitters: PubMed 30050108 (cited by Natera, Inc.); PubMed 2014802 (cited by Labcorp Genetics (formerly Invitae), Labcorp and OMIM); PubMed 29317692 (cited by Labcorp Genetics (formerly Invitae), Labcorp); PubMed 21953985 (cited by Labcorp Genetics (formerly Invitae), Labcorp and Counsyl); PubMed 26322415 (cited by Counsyl); PubMed 9799096 (cited by Counsyl); PubMed 16256386 (cited by Counsyl); PubMed 23932990 (cited by Counsyl).

NM_000277.3(PAH):c.764T>C (p.Leu255Ser)

Gene: PAH (phenylalanine hydroxylase; minus strand). Cytogenetic location: 12q23.2.
Variant type: single nucleotide variant.
Coding change: c.764T>C on transcript NM_000277.3 (MANE Select); coding-DNA position 764, T replaced by C.
Protein change: p.Leu255Ser; replaces leucine 255 with serine.
Molecular consequence: missense variant.
Genome position (GRCh38, 1-based): chr12:102,852,893, A>G on the plus strand (T>C on the coding strand, the complement: PAH is on the minus strand). VCF-style: chr12-102852893-A-G. GRCh37 (hg19) VCF-style: chr12-103246671-A-G.
Other names: c.764T>C, p.Leu255Ser (NM_001354304.2); c.764T>C (NM_000277.2); short protein forms L255S.
Identifiers: ClinVar variation 600 (VCV000000600.92), dbSNP rs62642930, ClinGen allele CA229747.